The following is an entry in ClinVar:

ClinVar aggregate classification (germline): Uncertain significance (1 of 4 stars; one submission).

Conditions:
Charcot-Marie-Tooth disease dominant intermediate F. Identifiers: Orphanet 352670, MedGen C4749463, MONDO:0014074, OMIM 615185.

Submission:

Labcorp Genetics (formerly Invitae), Labcorp
Classification: Uncertain significance for Charcot-Marie-Tooth disease dominant intermediate F. Last evaluated: 2024-12-17. Review status: criteria provided, single submitter. Criteria: Invitae Variant Classification Sherloc (09022015). Collection method: clinical testing. Allele origin: germline.
Comment: This sequence change replaces proline, which is neutral and non-polar, with serine, which is neutral and polar, at codon 94 of the GNB4 protein (p.Pro94Ser). This variant is not present in population databases (gnomAD no frequency). This variant has not been reported in the literature in individuals affected with GNB4-related conditions. Invitae Evidence Modeling of protein sequence and biophysical properties (such as structural, functional, and spatial information, amino acid conservation, physicochemical variation, residue mobility, and thermodynamic stability) has been performed for this missense variant. However, the output from this modeling did not meet the statistical confidence thresholds required to predict the impact of this variant on GNB4 protein function. In summary, the available evidence is currently insufficient to determine the role of this variant in disease. Therefore, it has been classified as a Variant of Uncertain Significance.

NM_021629.4(GNB4):c.280C>T (p.Pro94Ser)

Gene: GNB4 (G protein subunit beta 4; minus strand). Cytogenetic location: 3q26.33.
Variant type: single nucleotide variant.
Coding change: c.280C>T on transcript NM_021629.4 (MANE Select); coding-DNA position 280, C replaced by T.
Protein change: p.Pro94Ser; replaces proline 94 with serine.
Molecular consequence: missense variant.
Genome position (GRCh38, 1-based): chr3:179,415,035, G>A on the plus strand (C>T on the coding strand, the complement: GNB4 is on the minus strand). VCF-style: chr3-179415035-G-A. GRCh37 (hg19) VCF-style: chr3-179132823-G-A.
Other names: short protein forms P94S.
Identifiers: ClinVar variation 3721189 (VCV003721189.2).